The following is an entry in ClinVar:

ClinVar aggregate classification (germline): Uncertain significance (1 of 4 stars; one submission).

Conditions:
Cardiovascular phenotype. Identifiers: MedGen CN230736.

Allele frequency attached by ClinVar (database versions not stated): gnomAD exomes below 0.00001.
gnomAD v4.1: 1 of 1,612,314 alleles (0.000062%); highest among the groups gnomAD compares: East Asian, 0.0022%; no homozygotes.

Submission:

Ambry Genetics
Classification: Uncertain significance for Cardiovascular phenotype. Last evaluated: 2023-07-05. Review status: criteria provided, single submitter. Criteria: Ambry Variant Classification Scheme 2023. Collection method: clinical testing. Allele origin: germline.
Comment: The p.K822N variant (also known as c.2466G>T), located in coding exon 17 of the APOB gene, results from a G to T substitution at nucleotide position 2466. The lysine at codon 822 is replaced by asparagine, an amino acid with similar properties. This amino acid position is conserved. In addition, this alteration is predicted to be tolerated by in silico analysis. Since supporting evidence is limited at this time, the clinical significance of this alteration remains unclear.

NM_000384.3(APOB):c.2466G>T (p.Lys822Asn)

Gene: APOB (apolipoprotein B; minus strand). Cytogenetic location: 2p24.1.
Variant type: single nucleotide variant.
Coding change: c.2466G>T on transcript NM_000384.3 (MANE Select); coding-DNA position 2466, G replaced by T.
Protein change: p.Lys822Asn; replaces lysine 822 with asparagine.
Molecular consequence: missense variant.
Genome position (GRCh38, 1-based): chr2:21,023,663, C>A on the plus strand (G>T on the coding strand, the complement: APOB is on the minus strand). VCF-style: chr2-21023663-C-A. GRCh37 (hg19) VCF-style: chr2-21246535-C-A.
Other names: short protein forms K822N.
Identifiers: ClinVar variation 2586178 (VCV002586178.2), dbSNP rs1663668143, ClinGen allele CA346011224.